The following is an entry in ClinVar:

NM_153676.4(USH1C):c.186T>C (p.Ile62=)

Gene: USH1C (USH1 protein network component harmonin; minus strand). Cytogenetic location: 11p15.1.
Variant type: single nucleotide variant.
Coding change: c.186T>C on transcript NM_153676.4 (MANE Select); coding-DNA position 186, T replaced by C.
Protein change: p.Ile62=; no amino-acid change (isoleucine 62 retained).
Molecular consequence: synonymous variant. On other transcripts: non-coding transcript variant (1).
Genome position (GRCh38, 1-based): chr11:17,531,461, A>G on the plus strand (T>C on the coding strand, the complement: USH1C is on the minus strand). VCF-style: chr11-17531461-A-G. GRCh37 (hg19) VCF-style: chr11-17553008-A-G.
Other names: c.186T>C, p.Ile62= (NM_001297764.2, NM_005709.4).
Identifiers: ClinVar variation 166394 (VCV000166394.21), dbSNP rs200239508, ClinGen allele CA179494.

ClinVar aggregate classification (germline): Conflicting classifications of pathogenicity. Review status: criteria provided, conflicting classifications (1 of 4 stars). 5 submissions from 5 submitters: Uncertain significance (1); Benign (1); Likely benign (3). Last evaluated 2026-01-28.

Conditions:
Usher syndrome type 1C. Also called: USHER SYNDROME, TYPE I, ACADIAN VARIETY. Identifiers: Orphanet 231169, Orphanet 886, MedGen C1848604, MONDO:0010171, OMIM 276904.

Allele frequency attached by ClinVar (database versions not stated): ESP Exome Variant Server 0.00008; gnomAD exomes 0.00016 and 0.00027; gnomAD 0.00017 and 0.00018; ExAC 0.00023; TOPMed 0.00025.
gnomAD v4.1: 261 of 1,613,964 alleles (0.016%); highest among the groups gnomAD compares: Middle Eastern, 0.033%; 1 homozygote.

Submissions (5):

Labcorp Genetics (formerly Invitae), Labcorp
Classification: Benign. Last evaluated: 2026-01-28. Review status: criteria provided, single submitter. Criteria: Invitae Variant Classification Sherloc (09022015). Collection method: clinical testing. Allele origin: germline.

Blueprint Genetics
Classification: Likely benign. Last evaluated: 2024-09-02. Review status: criteria provided, single submitter. Criteria: ACMG Guidelines, 2015. Collection method: clinical testing. Allele origin: germline.

GeneDx
Classification: Likely benign. Last evaluated: 2021-02-19. Review status: criteria provided, single submitter. Criteria: GeneDx Variant Classification Process June 2021. Collection method: clinical testing. Allele origin: germline. Affected: yes.

Illumina Laboratory Services, Illumina
Classification: Uncertain significance for Usher syndrome type 1C. Last evaluated: 2018-01-12. Review status: criteria provided, single submitter. Criteria: ICSL Variant Classification Criteria 13 December 2019. Collection method: clinical testing. Allele origin: germline.

Laboratory for Molecular Medicine, Mass General Brigham Personalized Medicine
Classification: Likely benign. Last evaluated: 2016-06-30. Review status: criteria provided, single submitter. Criteria: LMM Criteria. Collection method: clinical testing. Allele origin: germline. Observed: 2 variant alleles.
Comment: p.Ile62Ile in Exon 3 of USH1C: This variant is not expected to have clinical sig nificance because it does not alter an amino acid residue and is not located wit hin the splice consensus sequence. It has been identified in 24/66358 of Europea n chromosomes by the Exome Aggregation Consortium (ExAC; dbSNP rs200239508).